The following is an entry in ClinVar:

NM_004655.4(AXIN2):c.-130C>T

Gene: AXIN2 (axin 2; minus strand). Cytogenetic location: 17q24.1.
Variant type: single nucleotide variant.
Coding change: c.-130C>T on transcript NM_004655.4 (MANE Select); 130 bases upstream of the start codon, C replaced by T.
Molecular consequence: 5 prime UTR variant.
Genome position (GRCh38, 1-based): chr17:65,561,463, G>A on the plus strand (C>T on the coding strand, the complement: AXIN2 is on the minus strand). VCF-style: chr17-65561463-G-A. GRCh37 (hg19) VCF-style: chr17-63557581-G-A.
Other names: c.-130C>T (NM_001363813.1, LRG_296t1).
Identifiers: ClinVar variation 382318 (VCV000382318.1), dbSNP rs1057521326, ClinGen allele CA16607812.
Genomic context (GRCh38, chr17:65,561,463, plus strand): 5'-GGGCTTTCTTTGAAGCGGCTCCGCTGGGGCCGAGCTTCCACCCCCACCTTTTACAGCAGG[G>A]CCTTCGGCGGGCGCCTCGGCCGCCGGGCGGCCCCGAAATCCATCGCTCTGAGGGGTTATT-3'

ClinVar aggregate classification (germline): Likely benign (1 of 4 stars; one submission).

Submission:

GeneDx
Classification: Likely benign. Last evaluated: 2015-12-17. Review status: criteria provided, single submitter. Criteria: GeneDx Variant Classification (06012015). Collection method: clinical testing. Allele origin: germline. Affected: yes.
Comment: This variant is considered likely benign or benign based on one or more of the following criteria: it is a conservative change, it occurs at a poorly conserved position in the protein, it is predicted to be benign by multiple in silico algorithms, and/or has population frequency not consistent with disease.